The following is an entry in ClinVar:

NM_012079.6(DGAT1):c.636C>T (p.Arg212=)

Gene: DGAT1 (diacylglycerol O-acyltransferase 1; minus strand). Cytogenetic location: 8q24.3.
Variant type: single nucleotide variant.
Coding change: c.636C>T on transcript NM_012079.6 (MANE Select); coding-DNA position 636, C replaced by T.
Protein change: p.Arg212=; no amino-acid change (arginine 212 retained).
Molecular consequence: synonymous variant.
Genome position (GRCh38, 1-based): chr8:144,318,301, G>A on the plus strand (C>T on the coding strand, the complement: DGAT1 is on the minus strand). VCF-style: chr8-144318301-G-A. GRCh37 (hg19) VCF-style: chr8-145541964-G-A.
Other names: c.636C>T (NM_012079.5).
Identifiers: ClinVar variation 1570546 (VCV001570546.10), dbSNP rs375092438, ClinGen allele CA4936937.

ClinVar aggregate classification (germline): Likely benign. Review status: criteria provided, single submitter (1 of 4 stars). 2 submissions from 2 submitters: Likely benign (1). 1 of the submissions does not count toward it. Last evaluated 2025-06-18.

Conditions:
DGAT1-related disorder. Also called: DGAT1-related condition.

Allele frequency attached by ClinVar (database versions not stated): gnomAD exomes 0.00002 and 0.00008; ExAC 0.00009; gnomAD 0.00011 and 0.00013; TOPMed 0.00015; ESP Exome Variant Server 0.00023.

Submissions (2):

Labcorp Genetics (formerly Invitae), Labcorp
Classification: Likely benign. Last evaluated: 2025-06-18. Review status: criteria provided, single submitter. Criteria: Invitae Variant Classification Sherloc (09022015). Collection method: clinical testing. Allele origin: germline.

PreventionGenetics, part of Exact Sciences
Classification: Likely benign for DGAT1-related condition. Last evaluated: 2021-06-17. Review status: no assertion criteria provided. Collection method: clinical testing. Allele origin: germline. Not counted in ClinVar's aggregate classification.
Comment: This variant is classified as likely benign based on ACMG/AMP sequence variant interpretation guidelines (Richards et al. 2015 PMID: 25741868, with internal and published modifications).